The following is an entry in ClinVar:

NM_000548.5(TSC2):c.3963G>T (p.Glu1321Asp)

Gene: TSC2 (TSC complex subunit 2; plus strand). Cytogenetic location: 16p13.3.
Variant type: single nucleotide variant.
Coding change: c.3963G>T on transcript NM_000548.5 (MANE Select); coding-DNA position 3963, G replaced by T.
Protein change: p.Glu1321Asp; replaces glutamic acid 1321 with aspartic acid.
Molecular consequence: missense variant. On other transcripts: non-coding transcript variant (5).
Genome position (GRCh38, 1-based): chr16:2,083,774, G>T. VCF-style: chr16-2083774-G-T. GRCh37 (hg19) VCF-style: chr16-2133775-G-T.
Other names: c.3762G>T, p.Glu1254Asp (NM_001077183.3); c.3894G>T, p.Glu1298Asp (NM_001114382.3); c.3654G>T, p.Glu1218Asp (NM_001318827.2); c.3618G>T, p.Glu1206Asp (NM_001318829.2); c.3231G>T, p.Glu1077Asp (NM_001318831.2); c.3795G>T, p.Glu1265Asp (NM_001318832.2); c.3765G>T, p.Glu1255Asp (NM_001363528.2); c.3831G>T, p.Glu1277Asp (NM_001370404.1); and 26 more; short protein forms E1054D, E1077D, E1097D, E1101D, E1205D, E1235D, E1248D, E1250D.
Identifiers: ClinVar variation 2837265 (VCV002837265.4), dbSNP rs587778737, ClinGen allele CA394297480.
Genomic context (GRCh38, chr16:2,083,774, plus strand): 5'-GGAGGGAAGTCCGGGCGAGGTTCCTGTGCTGGTGGAGCCCCCAGGGTTGGAGGACGTTGA[G>T]GCAGCGCTAGGCATGGACAGGCGCACGGATGCCTACAGCAGGGTGAGTGTGGCTCAGAGC-3'
Protein context (NP_000539.2, residues 1311-1331): LVEPPGLEDV[Glu1321Asp]AALGMDRRTD

ClinVar aggregate classification (germline): Uncertain significance. Review status: criteria provided, multiple submitters, no conflicts (2 of 4 stars). 2 submissions from 2 submitters: Uncertain significance (2). Last evaluated 2026-07-06.

Conditions:
Tuberous sclerosis 2 (TSC2). Identifiers: Orphanet 805, MedGen C1860707, MONDO:0013199, OMIM 613254.
Hereditary cancer-predisposing syndrome. Also called: Hereditary Cancer Syndrome; Hereditary neoplastic syndrome; Neoplastic Syndromes, Hereditary; Tumor predisposition. Identifiers: Orphanet 140162, MedGen C0027672, MeSH D009386, MONDO:0015356.

Submissions (2):

Ambry Genetics
Classification: Uncertain significance for Hereditary cancer-predisposing syndrome. Last evaluated: 2026-07-06. Review status: criteria provided, single submitter. Criteria: Ambry Variant Classification Scheme 2023. Collection method: clinical testing. Allele origin: germline.
Comment: The p.E1321D variant (also known as c.3963G>T), located in coding exon 32 of the TSC2 gene, results from a G to T substitution at nucleotide position 3963. The glutamic acid at codon 1321 is replaced by aspartic acid, an amino acid with highly similar properties. This amino acid position is conserved. In addition, the in silico prediction for this alteration is inconclusive. Based on the available evidence, the clinical significance of this variant remains unclear.

Labcorp Genetics (formerly Invitae), Labcorp
Classification: Uncertain significance for Tuberous sclerosis 2. Last evaluated: 2023-02-14. Review status: criteria provided, single submitter. Criteria: Invitae Variant Classification Sherloc (09022015). Collection method: clinical testing. Allele origin: germline.
Comment: This variant is not present in population databases (gnomAD no frequency). In summary, the available evidence is currently insufficient to determine the role of this variant in disease. Therefore, it has been classified as a Variant of Uncertain Significance. Advanced modeling of protein sequence and biophysical properties (such as structural, functional, and spatial information, amino acid conservation, physicochemical variation, residue mobility, and thermodynamic stability) performed at Invitae indicates that this missense variant is not expected to disrupt TSC2 protein function. This variant has not been reported in the literature in individuals affected with TSC2-related conditions. This sequence change replaces glutamic acid, which is acidic and polar, with aspartic acid, which is acidic and polar, at codon 1321 of the TSC2 protein (p.Glu1321Asp).